The following is an entry in ClinVar:

ClinVar aggregate classification (germline): Conflicting classifications of pathogenicity. Review status: criteria provided, conflicting classifications (1 of 4 stars). 5 submissions from 5 submitters: Uncertain significance (1); Benign (1); Likely benign (2). 1 of the submissions does not count toward it. Last evaluated 2026-04-14.

Conditions:
Inborn genetic diseases. Identifiers: MedGen C0950123, MeSH D030342.
Familial intrahepatic cholestasis. Identifiers: Orphanet 284385, MedGen CN296401, MONDO:0017290.
Progressive familial intrahepatic cholestasis type 2. Identifiers: Orphanet 79304, MedGen C3489789, MONDO:0011156, OMIM 601847.

Allele frequency attached by ClinVar (database versions not stated): gnomAD 0.00032; TOPMed 0.00038; 1000 Genomes Project 30x 0.00047; 1000 Genomes Project 0.00060.
gnomAD v4.1: 207 of 1,610,840 alleles (0.013%); highest among the groups gnomAD compares: East Asian, 0.43%; 1 homozygote.

Submissions (5):

Genomenon, Inc
Classification: Likely benign for Familial intrahepatic cholestasis. Last evaluated: 2026-04-14. Review status: criteria provided, single submitter. Criteria: Genomenon Sequence Variant Interpretation Standards - Updated. Collection method: curation. Allele origin: germline. Affected: yes.
Comment: ABCB11 c.1248C>A is a synonymous variant that retains Isoleucine at residue 416. This variant has been observed in at least one proband with an ABCB11-related disorder (PMID:24969679). This synonymous variant is not predicted to impact splicing. This variant's allele frequency in gnomAD is greater than expected for this disorder. In conclusion, we classify ABCB11 p.Ile416= (c.1248C>A) as a likely benign variant.

Labcorp Genetics (formerly Invitae), Labcorp
Classification: Benign. Last evaluated: 2025-12-31. Review status: criteria provided, single submitter. Criteria: Invitae Variant Classification Sherloc (09022015). Collection method: clinical testing. Allele origin: germline.

Ambry Genetics
Classification: Likely benign for Inborn genetic diseases. Last evaluated: 2024-08-28. Review status: criteria provided, single submitter. Criteria: Ambry Variant Classification Scheme 2023. Collection method: clinical testing. Allele origin: germline.

Eurofins Ntd Llc (ga)
Classification: Uncertain significance. Last evaluated: 2015-08-27. Review status: criteria provided, single submitter. Criteria: EGL Classification Definitions 2015. Collection method: clinical testing. Allele origin: germline. Observed: 1 variant allele, 1 heterozygote.

Natera, Inc.
Classification: Likely benign for Progressive familial intrahepatic cholestasis type 2. Last evaluated: 2020-01-31. Review status: no assertion criteria provided. Collection method: clinical testing. Allele origin: germline. Not counted in ClinVar's aggregate classification.

Literature cited by the submitters: PubMed 24969679 (cited by Genomenon, Inc).

NM_003742.4(ABCB11):c.1248C>A (p.Ile416=)

Gene: ABCB11 (ATP binding cassette subfamily B member 11; minus strand). Cytogenetic location: 2q31.1.
Variant type: single nucleotide variant.
Coding change: c.1248C>A on transcript NM_003742.4 (MANE Select); coding-DNA position 1248, C replaced by A.
Protein change: p.Ile416=; no amino-acid change (isoleucine 416 retained).
Molecular consequence: synonymous variant.
Genome position (GRCh38, 1-based): chr2:168,976,637, G>T on the plus strand (C>A on the coding strand, the complement: ABCB11 is on the minus strand). VCF-style: chr2-168976637-G-T. GRCh37 (hg19) VCF-style: chr2-169833147-G-T.
Other names: c.1248C>A, p.Ile416= (LRG_1199t1).
Identifiers: ClinVar variation 282571 (VCV000282571.18), dbSNP rs183390670, ClinGen allele CA1951642.